The following is an entry in ClinVar:

NM_052874.5(STX1B):c.538-8C>T

Gene: STX1B (syntaxin 1B; minus strand). Cytogenetic location: 16p11.2.
Variant type: single nucleotide variant.
Coding change: c.538-8C>T on transcript NM_052874.5 (MANE Select); 8 bases into the intron before coding-DNA position 538, C replaced by T.
Molecular consequence: intron variant.
Genome position (GRCh38, 1-based): chr16:30,993,492, G>A on the plus strand (C>T on the coding strand, the complement: STX1B is on the minus strand). VCF-style: chr16-30993492-G-A. GRCh37 (hg19) VCF-style: chr16-31004813-G-A.
Identifiers: ClinVar variation 930548 (VCV000930548.3), dbSNP rs781582150, ClinGen allele CA8018324.

ClinVar aggregate classification (germline): Uncertain significance (1 of 4 stars; one submission).

Conditions:
Generalized epilepsy with febrile seizures plus, type 9 (GEFSP9). Also called: GEFS+, TYPE 9. Identifiers: Orphanet 36387, MedGen C4015395, MONDO:0014517, OMIM 616172.

Allele frequency attached by ClinVar (database versions not stated): gnomAD exomes below 0.00001 and 0.00001; ExAC 0.00001; TOPMed 0.00001.
gnomAD v4.1: 4 of 1,613,048 alleles (0.00025%); highest among the groups gnomAD compares: South Asian, 0.0033%; no homozygotes.

Submission:

Centre for Mendelian Genomics, University Medical Centre Ljubljana
Classification: Uncertain significance for Generalized epilepsy with febrile seizures plus, type 9. Last evaluated: 2019-08-21. Review status: criteria provided, single submitter. Criteria: ACMG Guidelines, 2015. Collection method: clinical testing. Allele origin: unknown. Affected: yes.
Comment: This variant was classified as: Uncertain significance. The available evidence on this variant's pathogenicity is insufficient or conflicting. The following ACMG criteria were applied in classifying this variant: No criteria apply.